The following is an entry in ClinVar:

ClinVar aggregate classification (germline): Uncertain significance (1 of 4 stars; one submission).

Conditions:
Polycystic kidney disease, adult type (PKD1). Also called: POLYCYSTIC KIDNEY DISEASE, ADULT, TYPE I; Polycystic Kidney Disease 1, Autosomal Dominant; Polycystic kidney disease 1; Polycystic kidney disease 1, severe; Polycystic Kidney, Autosomal Dominant; POLYCYSTIC KIDNEY DISEASE 1 WITH OR WITHOUT POLYCYSTIC LIVER DISEASE. Identifiers: MedGen C3149841, MONDO:0008263, OMIM 173900.

Submission:

Juno Genomics, Hangzhou Juno Genomics, Inc
Classification: Uncertain significance for Polycystic kidney disease, adult type. Review status: criteria provided, single submitter. Criteria: ACMG Guidelines, 2015. Collection method: clinical testing. Allele origin: germline. Affected: yes.
Comment: Absent from controls (or at extremely low frequency if recessive) in Genome Aggregation Database, Exome Sequencing Project, 1000 Genomes Project, or Exome Aggregation Consortium.;Protein length changes due to in-frame deletions/insertions in a non-repeat region or stop-loss variants.

NM_001009944.3(PKD1):c.11583_11594dup (p.Ala3865_Ala3866insGlyLeuHisAla)

Genes: PKD1 (polycystin 1, transient receptor potential channel interacting; minus strand), PKD1-AS1 (PKD1 antisense RNA 1; plus strand). Cytogenetic location: 16p13.3.
Variant type: Duplication.
Coding change: c.11583_11594dup on transcript NM_001009944.3 (MANE Select); coding-DNA positions 11583 to 11594, 12 bases duplicated (GGGGCTGCACGC).
Protein change: p.Ala3865_Ala3866insGlyLeuHisAla.
Molecular consequence: inframe insertion. On other transcripts: non-coding transcript variant (1).
Genome position (GRCh38, 1-based): chr16:2,091,541-2,091,552, GCGTGCAGCCCC duplicated on the plus strand (GGGGCTGCACGC on the coding strand, the reverse complement: PKD1 is on the minus strand). VCF-style (leftmost placement, unchanged base first): chr16-2091540-G-GGCGTGCAGCCCC. GRCh37 (hg19) VCF-style: chr16-2141541-G-GGCGTGCAGCCCC.
Other names: c.11580_11591dup, p.Ala3864_Ala3865insGlyLeuHisAla (NM_000296.4).
Identifiers: ClinVar variation 3381913 (VCV003381913.2).